The following is an entry in ClinVar:

ClinVar aggregate classification (germline): Uncertain significance (1 of 4 stars; one submission).

Submission:

Labcorp Genetics (formerly Invitae), Labcorp
Classification: Uncertain significance. Last evaluated: 2024-01-29. Review status: criteria provided, single submitter. Criteria: Invitae Variant Classification Sherloc (09022015). Collection method: clinical testing. Allele origin: germline.
Comment: This sequence change replaces proline, which is neutral and non-polar, with leucine, which is neutral and non-polar, at codon 168 of the IRF2BP2 protein (p.Pro168Leu). This variant is not present in population databases (gnomAD no frequency). This variant has not been reported in the literature in individuals affected with IRF2BP2-related conditions. An algorithm developed to predict the effect of missense changes on protein structure and function (PolyPhen-2) suggests that this variant is likely to be tolerated. In summary, the available evidence is currently insufficient to determine the role of this variant in disease. Therefore, it has been classified as a Variant of Uncertain Significance.

NM_182972.3(IRF2BP2):c.503C>T (p.Pro168Leu)

Gene: IRF2BP2 (interferon regulatory factor 2 binding protein 2; minus strand). Cytogenetic location: 1q42.3.
Variant type: single nucleotide variant.
Coding change: c.503C>T on transcript NM_182972.3 (MANE Select); coding-DNA position 503, C replaced by T.
Protein change: p.Pro168Leu; replaces proline 168 with leucine.
Molecular consequence: missense variant.
Genome position (GRCh38, 1-based): chr1:234,608,992, G>A on the plus strand (C>T on the coding strand, the complement: IRF2BP2 is on the minus strand). VCF-style: chr1-234608992-G-A. GRCh37 (hg19) VCF-style: chr1-234744738-G-A.
Other names: c.503C>T, p.Pro168Leu (NM_001077397.1); short protein forms P168L.
Identifiers: ClinVar variation 2981329 (VCV002981329.3), dbSNP rs1672261443, ClinGen allele CA345310013.